The following is an entry in ClinVar:

ClinVar aggregate classification (germline): Uncertain significance. Review status: criteria provided, multiple submitters, no conflicts (2 of 4 stars). 5 submissions from 5 submitters: Uncertain significance (4). 1 of the submissions does not count toward it. Last evaluated 2026-06-17.

Conditions:
Ehlers-Danlos syndrome, classic type, 2 (EDSCL2). Also called: Ehlers-Danlos syndrome, type 2; Ehlers-Danlos syndrome type 2 (formerly); Ehlers-Danlos Syndrome, Classic Type, COL5A2-Related. Identifiers: Orphanet 287, Orphanet 90318, MedGen C0268336, MONDO:0019568, OMIM 130010.
Ehlers-Danlos syndrome, classic type, 1 (EDSCL1). Also called: Ehlers-Danlos syndrome, type 1; Ehlers-Danlos Syndrome, Classic Type, COL5A1-Related; EDS I; EHLERS-DANLOS SYNDROME, GRAVIS TYPE; EHLERS-DANLOS SYNDROME, SEVERE CLASSIC TYPE. Identifiers: MedGen C0268335, MONDO:0019567, OMIM 130000.
Familial thoracic aortic aneurysm and aortic dissection (TAAD). Also called: Thoracic aortic aneurysms and dissections. Identifiers: Orphanet 91387, MedGen C4707243, MONDO:0019625.

Allele frequency attached by ClinVar (database versions not stated): gnomAD exomes below 0.00001.
gnomAD v4.1: 1 of 1,613,218 alleles (0.000062%); highest among the groups gnomAD compares: Non-Finnish European, 0.000085%; no homozygotes.

Submissions (5):

Women's Health and Genetics/Laboratory Corporation of America, LabCorp
Classification: Uncertain significance. Last evaluated: 2026-06-17. Review status: criteria provided, single submitter. Criteria: LabCorp Variant Classification Summary - May 2015. Collection method: clinical testing. Allele origin: germline.
Comment: Variant summary: COL5A2 c.808G>A (p.Gly270Ser) results in a non-conservative amino acid change in the encoded protein sequence. Algorithms developed to predict the effect of missense changes on protein structure and function all suggest that this variant is likely to be disruptive. The variant was absent in 251310 control chromosomes. The available data on variant occurrences in the general population are insufficient to allow any conclusion about variant significance. c.808G>A has been observed in an individual affected with COL5A2-related conditions (Weerakkody_2018). These data do not allow any conclusion about variant significance. To our knowledge, no experimental evidence demonstrating an impact on protein function has been reported. The following publication have been ascertained in the context of this evaluation (PMID: 29543232). ClinVar contains an entry for this variant (Variation ID: 517132). Based on the evidence outlined above, the variant was classified as uncertain significance.

Labcorp Genetics (formerly Invitae), Labcorp
Classification: Uncertain significance for Ehlers-Danlos syndrome, classic type, 1. Last evaluated: 2026-01-21. Review status: criteria provided, single submitter. Criteria: Invitae Variant Classification Sherloc (09022015). Collection method: clinical testing. Allele origin: germline.
Comment: This sequence change replaces glycine, which is neutral and non-polar, with serine, which is neutral and polar, at codon 270 of the COL5A2 protein (p.Gly270Ser). This variant is not present in population databases (gnomAD no frequency). This variant has not been reported in the literature in individuals affected with COL5A2-related conditions. ClinVar contains an entry for this variant (Variation ID: 517132). Invitae Evidence Modeling of protein sequence and biophysical properties (such as structural, functional, and spatial information, amino acid conservation, physicochemical variation, residue mobility, and thermodynamic stability) indicates that this missense variant is expected to disrupt COL5A2 protein function with a positive predictive value of 80%. In summary, the available evidence is currently insufficient to determine the role of this variant in disease. Therefore, it has been classified as a Variant of Uncertain Significance.

Ambry Genetics
Classification: Uncertain significance for Familial thoracic aortic aneurysm and aortic dissection. Last evaluated: 2025-07-22. Review status: criteria provided, single submitter. Criteria: Ambry Variant Classification Scheme 2023. Collection method: clinical testing. Allele origin: germline.
Comment: The p.G270S variant (also known as c.808G>A), located in coding exon 12 of the COL5A2 gene, results from a G to A substitution at nucleotide position 808. The glycine at codon 270 is replaced by serine, an amino acid with similar properties. Internal structural analysis indicates that this alteration disrupts the characteristic G-X-Y motif of the triple helical domain in the COL5A2 protein and inserts a bulky side chain into a sterically-constrained region (Bella J et al. Science. 1994;266:75-81; Hohenester E et al. Proc. Natl. Acad. Sci. U.S.A. 2008;105:18273-7; Ambry internal data). Glycine substitutions in the triple helical domain of COL5A2 have been reported in association with classic Ehlers-Danlos syndrome (cEDS), but the number of affected individuals is limited and several other COL5A2 glycine substitutions in the triple helical domain (e.g., p.G951E and p.G831A) are too common for disease in population databases (Symoens S et al. Hum. Mutat., 2012 Oct;33:1485-93; Ritelli M et al. Orphanet J Rare Dis. 2013 Apr;8:58). This amino acid position is highly conserved in available vertebrate species. In addition, this alteration is predicted to be deleterious by in silico analysis. Based on the available evidence, the clinical significance of this variant remains unclear.

New York Genome Center
Classification: Uncertain significance for Ehlers-Danlos syndrome, classic type, 2. Last evaluated: 2023-04-28. Review status: criteria provided, single submitter. Criteria: NYGC Assertion Criteria 2020. Collection method: clinical testing. Allele origin: inherited. Observed: 1 heterozygote. Study: PrenatalSEQ.
Comment: The inherited heterozygous c.808G>A p.(Gly270Ser) variant in COL5A2 has been reported in the literature in one individual affected with ascending/arch aortic aneurysm [PMID: 29543232], and has been deposited in ClinVar as Likely Pathogenic for familial thoracic aortic aneurysm and aortic dissection by a single submitter [ClinVar ID: 517132; likely the same subject reported in PMID: 29543232]. The c.808G>A variant is absent from population databases (gnomAD v2.1.1 and v3.1.2, TOPMed Freeze 8) suggesting it is not a common benign variant in those databases. The variant is located in exon 12 of this 54-exon gene and is predicted to replace an evolutionarily conserved glycine residue with serine in one of the Gly-X-Y repeats within the triple-helix region [PMID: 26608033]. In silico predictions are in favor of a damaging effect for p.(Gly270Ser) [REVEL score = 0.948]; however, functional studies to support or refute these predictions have not been performed. Based on available evidence, the inherited heterozygous c.808G>A p.(Gly270Ser) variant is classified as a Variant of Uncertain Significance.

Centre for Genomic and Experimental Medicine, University of Edinburgh
Classification: Likely pathogenic for Familial thoracic aortic aneurysm and aortic dissection. Review status: no assertion criteria provided. Collection method: research. Allele origin: unknown. Affected: yes. Not counted in ClinVar's aggregate classification.

Literature cited by the submitters: PubMed 29543232 (cited by Women's Health and Genetics/Laboratory Corporation of America, LabCorp and Ambry Genetics); PubMed 34265140 (cited by Ambry Genetics).

NM_000393.5(COL5A2):c.808G>A (p.Gly270Ser)

Gene: COL5A2 (collagen type V alpha 2 chain; minus strand). Cytogenetic location: 2q32.2.
Variant type: single nucleotide variant.
Coding change: c.808G>A on transcript NM_000393.5 (MANE Select); coding-DNA position 808, G replaced by A.
Protein change: p.Gly270Ser; replaces glycine 270 with serine.
Molecular consequence: missense variant.
Genome position (GRCh38, 1-based): chr2:189,084,028, C>T on the plus strand (G>A on the coding strand, the complement: COL5A2 is on the minus strand). VCF-style: chr2-189084028-C-T. GRCh37 (hg19) VCF-style: chr2-189948754-C-T.
Other names: short protein forms G270S.
Identifiers: ClinVar variation 517132 (VCV000517132.5), dbSNP rs1553517181, ClinGen allele CA349857699.